The following is an entry in ClinVar:

NM_004793.4(LONP1):c.2314G>T (p.Ala772Ser)

Gene: LONP1 (lon peptidase 1, mitochondrial; minus strand). Cytogenetic location: 19p13.3.
Variant type: single nucleotide variant.
Coding change: c.2314G>T on transcript NM_004793.4 (MANE Select); coding-DNA position 2314, G replaced by T.
Protein change: p.Ala772Ser; replaces alanine 772 with serine.
Molecular consequence: missense variant. On other transcripts: non-coding transcript variant (1).
Genome position (GRCh38, 1-based): chr19:5,694,393, C>A on the plus strand (G>T on the coding strand, the complement: LONP1 is on the minus strand). VCF-style: chr19-5694393-C-A. GRCh37 (hg19) VCF-style: chr19-5694404-C-A.
Other names: c.2122G>T, p.Ala708Ser (NM_001276479.2); c.1726G>T, p.Ala576Ser (NM_001276480.1); short protein forms A576S, A708S, A772S.
Identifiers: ClinVar variation 3618258 (VCV003618258.2).

ClinVar aggregate classification (germline): Uncertain significance (1 of 4 stars; one submission).

gnomAD v4.1: 9 of 1,612,690 alleles (0.00056%); highest among the groups gnomAD compares: Admixed American, 0.0017%; no homozygotes.

Submission:

Labcorp Genetics (formerly Invitae), Labcorp
Classification: Uncertain significance. Last evaluated: 2024-04-08. Review status: criteria provided, single submitter. Criteria: Invitae Variant Classification Sherloc (09022015). Collection method: clinical testing. Allele origin: germline.
Comment: This sequence change replaces alanine, which is neutral and non-polar, with serine, which is neutral and polar, at codon 772 of the LONP1 protein (p.Ala772Ser). This variant is present in population databases (rs766234254, gnomAD 0.0009%). This variant has not been reported in the literature in individuals affected with LONP1-related conditions. Advanced modeling of protein sequence and biophysical properties (such as structural, functional, and spatial information, amino acid conservation, physicochemical variation, residue mobility, and thermodynamic stability) performed at Invitae indicates that this missense variant is not expected to disrupt LONP1 protein function with a negative predictive value of 80%. In summary, the available evidence is currently insufficient to determine the role of this variant in disease. Therefore, it has been classified as a Variant of Uncertain Significance.